The following is an entry in ClinVar:

SIX3:c.942G>A

Variant type: single nucleotide variant.
Other names: 942G>A.
Identifiers: ClinVar variation 65506 (VCV000065506.3).

ClinVar aggregate classification (germline): Benign (0 of 4 stars; one submission).

Conditions:
Holoprosencephaly 2 (HPE2). Identifiers: Orphanet 2162, MedGen C1834877, MONDO:0007999, OMIM 157170.

Submission:

GeneReviews
Classification: Benign for Holoprosencephaly. Last evaluated: 2013-08-29. Review status: no assertion criteria provided. Collection method: curation. Allele origin: unknown.
ClinVar note: Converted during submission from non-pathogenic to Benign.